The following is an entry in ClinVar:

NM_198253.3(TERT):c.1537A>T (p.Ser513Cys)

Gene: TERT (telomerase reverse transcriptase; minus strand). Cytogenetic location: 5p15.33.
Variant type: single nucleotide variant.
Coding change: c.1537A>T on transcript NM_198253.3 (MANE Select); coding-DNA position 1537, A replaced by T.
Protein change: p.Ser513Cys; replaces serine 513 with cysteine.
Molecular consequence: missense variant. On other transcripts: non-coding transcript variant (2).
Genome position (GRCh38, 1-based): chr5:1,293,349, T>A on the plus strand (A>T on the coding strand, the complement: TERT is on the minus strand). VCF-style: chr5-1293349-T-A. GRCh37 (hg19) VCF-style: chr5-1293464-T-A.
Other names: c.1537A>T, p.Ser513Cys (NM_001193376.3, NM_003219.1); short protein forms S513C.
Identifiers: ClinVar variation 2134722 (VCV002134722.5), dbSNP rs2478408000, ClinGen allele CA359085124.

ClinVar aggregate classification (germline): Uncertain significance. Review status: criteria provided, multiple submitters, no conflicts (2 of 4 stars). 2 submissions from 2 submitters: Uncertain significance (2). Last evaluated 2023-05-21.

Conditions:
Dyskeratosis congenita, autosomal dominant 2. Identifiers: MedGen C3151443, MONDO:0013521, OMIM 613989.
Idiopathic Pulmonary Fibrosis. Also called: Idiopathic fibrosing alveolitis, chronic form; idiopathic fibrosing alveolitis. Identifiers: Orphanet 2032, MedGen C1800706, MeSH D054990, MONDO:0800504.
Dyskeratosis congenita. Identifiers: Orphanet 1775, MedGen C0265965, MONDO:0015780.

Submissions (2):

Ambry Genetics
Classification: Uncertain significance for Dyskeratosis congenita. Last evaluated: 2023-05-21. Review status: criteria provided, single submitter. Criteria: Ambry Variant Classification Scheme 2023. Collection method: clinical testing. Allele origin: germline.
Comment: The p.S513C variant (also known as c.1537A>T), located in coding exon 2 of the TERT gene, results from an A to T substitution at nucleotide position 1537. The serine at codon 513 is replaced by cysteine, an amino acid with dissimilar properties. This amino acid position is conserved. In addition, this alteration is predicted to be tolerated by in silico analysis. Since supporting evidence is limited at this time, the clinical significance of this alteration remains unclear.

Labcorp Genetics (formerly Invitae), Labcorp
Classification: Uncertain significance for Dyskeratosis congenita, autosomal dominant 2; Idiopathic Pulmonary Fibrosis. Last evaluated: 2022-05-06. Review status: criteria provided, single submitter. Criteria: Invitae Variant Classification Sherloc (09022015). Collection method: clinical testing. Allele origin: germline.
Comment: This sequence change replaces serine, which is neutral and polar, with cysteine, which is neutral and slightly polar, at codon 513 of the TERT protein (p.Ser513Cys). In summary, the available evidence is currently insufficient to determine the role of this variant in disease. Therefore, it has been classified as a Variant of Uncertain Significance. Algorithms developed to predict the effect of missense changes on protein structure and function are either unavailable or do not agree on the potential impact of this missense change (SIFT: "Deleterious"; PolyPhen-2: "Possibly Damaging"; Align-GVGD: "Class C15"). This variant has not been reported in the literature in individuals affected with TERT-related conditions. This variant is not present in population databases (gnomAD no frequency).